The following is an entry in ClinVar:

NM_000540.3(RYR1):c.12453G>A (p.Glu4151=)

Gene: RYR1 (ryanodine receptor 1; plus strand). Cytogenetic location: 19q13.2.
Variant type: single nucleotide variant.
Coding change: c.12453G>A on transcript NM_000540.3 (MANE Select); coding-DNA position 12453, G replaced by A.
Protein change: p.Glu4151=; no amino-acid change (glutamic acid 4151 retained).
Molecular consequence: synonymous variant.
Genome position (GRCh38, 1-based): chr19:38,561,283, G>A. VCF-style: chr19-38561283-G-A. GRCh37 (hg19) VCF-style: chr19-39051923-G-A.
Other names: c.12438G>A, p.Glu4146= (NM_001042723.2).
Identifiers: ClinVar variation 3073108 (VCV003073108.1), dbSNP rs2514653146, ClinGen allele CA507355195.

ClinVar aggregate classification (germline): Likely benign (1 of 4 stars; one submission).

Conditions:
Malignant hyperthermia, susceptibility to, 1 (MHS1). Also called: Anesthesia related hyperthermia; Malignant hyperpyrexia; Fulminating hyperpyrexia; Pharmacogenic myopathy; RYR1-Related Malignant Hyperthermia Susceptibility; Malignant hyperthermia suceptibility 1. Identifiers: Orphanet 423, MedGen C2930980, MONDO:0007783, OMIM 145600.

Allele frequency attached by ClinVar (database versions not stated): gnomAD exomes below 0.00001.
gnomAD v4.1: 2 of 1,614,020 alleles (0.00012%); highest among the groups gnomAD compares: Non-Finnish European, 0.00017%; no homozygotes.

Submission:

All of Us Research Program, National Institutes of Health
Classification: Likely benign for Malignant hyperthermia, susceptibility to, 1. Last evaluated: 2023-08-23. Review status: criteria provided, single submitter. Criteria: ACMG Guidelines, 2015. Collection method: clinical testing. Allele origin: germline. Inheritance: Autosomal dominant inheritance. Observed: 1 variant allele, 1 heterozygote.
Comment: This study involves interpretation of variants in research participants for the purpose of population health screening. Participant phenotype was not available at the time of variant classification. Additional details can be found in publication PMID: 35346344, PMCID: PMC8962531